The following is an entry in ClinVar:

NM_000551.4(VHL):c.366A>G (p.Ala122=)

Genes: VHL (von Hippel-Lindau tumor suppressor; plus strand), LOC107303340 (3p25 von Hippel-Lindau tumor suppressor, E3 ubiquitin protein ligase Alu-mediated recombination region; plus strand). Cytogenetic location: 3p25.3.
Variant type: single nucleotide variant.
Coding change: c.366A>G on transcript NM_000551.4 (MANE Select); coding-DNA position 366, A replaced by G.
Protein change: p.Ala122=; no amino-acid change (alanine 122 retained).
Molecular consequence: synonymous variant. On other transcripts: intron variant (2).
Genome position (GRCh38, 1-based): chr3:10,146,539, A>G. VCF-style: chr3-10146539-A-G. GRCh37 (hg19) VCF-style: chr3-10188223-A-G.
Other names: c.*18-3248A>G (NM_001354723.2); c.341-3248A>G (NM_198156.3).
Identifiers: ClinVar variation 508246 (VCV000508246.35), dbSNP rs1474241640, ClinGen allele CA432421808.

ClinVar aggregate classification (germline): Benign/Likely benign. Review status: criteria provided, multiple submitters, no conflicts (2 of 4 stars). 8 submissions from 8 submitters: Benign (1); Likely benign (7). Last evaluated 2025-09-01.

Conditions:
Von Hippel-Lindau syndrome (VHLS). Also called: von Hippel–Lindau syndrome; Von Hippel-Lindau; VHL syndrome. Identifiers: Orphanet 892, MedGen C0019562, MONDO:0008667, OMIM 193300. Disease mechanism: loss of function.
Chuvash polycythemia. Also called: POLYCYTHEMIA, VHL-DEPENDENT. Identifiers: Orphanet 238557, MedGen C1837915, MONDO:0009892, OMIM 263400.
Hereditary cancer-predisposing syndrome. Also called: Neoplastic Syndromes, Hereditary; Hereditary Cancer Syndrome; Tumor predisposition; Hereditary neoplastic syndrome. Identifiers: Orphanet 140162, MedGen C0027672, MeSH D009386, MONDO:0015356.

Allele frequency attached by ClinVar (database versions not stated): gnomAD exomes below 0.00001 and 0.00001.
gnomAD v4.1: 8 of 1,613,928 alleles (0.0005%); highest among the groups gnomAD compares: Non-Finnish European, 0.00059%; no homozygotes.

Submissions (8):

Color Diagnostics, LLC DBA Color Health
Classification: Likely benign for Von Hippel-Lindau syndrome. Last evaluated: 2025-09-01. Review status: criteria provided, single submitter. Criteria: ACMG Guidelines, 2015. Collection method: clinical testing. Allele origin: germline.

Myriad Genetics, Inc.
Classification: Benign for Von Hippel-Lindau syndrome. Last evaluated: 2025-06-11. Review status: criteria provided, single submitter. Criteria: Myriad Autosomal Dominant, Autosomal Recessive and X-Linked Classification Criteria (2023). Collection method: clinical testing. Allele origin: unknown.
Comment: This variant is considered benign. This variant is a silent/synonymous amino acid change and it is not expected to impact splicing.

Center for Genomic Medicine, Rigshospitalet, Copenhagen University Hospital
Classification: Likely benign. Last evaluated: 2025-03-04. Review status: criteria provided, single submitter. Criteria: ACMG Guidelines, 2015. Collection method: clinical testing. Allele origin: germline.

CeGaT Center for Human Genetics Tuebingen
Classification: Likely benign. Last evaluated: 2024-11-01. Review status: criteria provided, single submitter. Criteria: CeGaT Center For Human Genetics Tuebingen Variant Classification Criteria Version 2. Collection method: clinical testing. Allele origin: germline. Affected: yes. Observed: 1 variant allele.
Comment: VHL: BP4, BP7

Labcorp Genetics (formerly Invitae), Labcorp
Classification: Likely benign for Von Hippel-Lindau syndrome; Chuvash polycythemia. Last evaluated: 2024-08-04. Review status: criteria provided, single submitter. Criteria: Invitae Variant Classification Sherloc (09022015). Collection method: clinical testing. Allele origin: germline.

Ambry Genetics
Classification: Likely benign for Hereditary cancer-predisposing syndrome. Last evaluated: 2021-02-19. Review status: criteria provided, single submitter. Criteria: Ambry Variant Classification Scheme 2023. Collection method: clinical testing. Allele origin: germline.

Genetic Services Laboratory, University of Chicago
Classification: Likely benign. Last evaluated: 2020-09-11. Review status: criteria provided, single submitter. Criteria: ACMG Guidelines, 2015. Collection method: clinical testing. Allele origin: germline. Affected: no.

GeneDx
Classification: Likely benign. Last evaluated: 2017-03-17. Review status: criteria provided, single submitter. Criteria: GeneDx Variant Classification (06012015). Collection method: clinical testing. Allele origin: germline. Affected: yes.
Comment: This variant is considered likely benign or benign based on one or more of the following criteria: it is a conservative change, it occurs at a poorly conserved position in the protein, it is predicted to be benign by multiple in silico algorithms, and/or has population frequency not consistent with disease.